The following is an entry in ClinVar:

NM_000426.4(LAMA2):c.5274del (p.Phe1758fs)

Gene: LAMA2 (laminin subunit alpha 2; plus strand). Cytogenetic location: 6q22.33.
Variant type: Deletion.
Coding change: c.5274del on transcript NM_000426.4 (MANE Select); coding-DNA position 5274, one base deleted (T; older notation c.5274delT).
Protein change: p.Phe1758fs; shifts the reading frame from phenylalanine 1758.
Molecular consequence: frameshift variant.
Genome position (GRCh38, 1-based): chr6:129,393,084, T deleted; the last of 3 consecutive T bases (chr6:129,393,082-129,393,084); deleting any one gives the same sequence. VCF-style (leftmost placement, unchanged base first): chr6-129393081-GT-G. GRCh37 (hg19) VCF-style: chr6-129714226-GT-G.
Other names: c.5274del, p.Phe1758fs (NM_001079823.2); short protein forms F1758fs.
Identifiers: ClinVar variation 1724094 (VCV001724094.3), dbSNP rs2482736603, ClinGen allele CA2580074955.

ClinVar aggregate classification (germline): Likely pathogenic (1 of 4 stars; one submission).

Conditions:
LAMA2-related muscular dystrophy (LAMA2-RD). Also called: Laminin alpha 2-related dystrophy. Identifiers: MedGen C5679788, MONDO:0100228.

Submission:

Myriad Genetics, Inc.
Classification: Likely pathogenic for LAMA2-related muscular dystrophy. Last evaluated: 2022-01-25. Review status: criteria provided, single submitter. Criteria: Myriad Autosomal Dominant, Autosomal Recessive and X-Linked Classification Criteria (2023). Collection method: clinical testing. Allele origin: unknown.
Comment: NM_000426.3(LAMA2):c.5274delT(F1758Lfs*33) is expected to be pathogenic in the context of muscular dystrophy, LAMA2-related. This variant is predicted to lead to an abnormal or absent protein product due to the creation of a premature termination codon in LAMA2, a gene where loss-of-function variants are known to be pathogenic. Please note: this variant was assessed in the context of healthy population screening.